The following is an entry in ClinVar:

NM_000814.6(GABRB3):c.674T>C (p.Phe225Ser)

Gene: GABRB3 (gamma-aminobutyric acid type A receptor subunit beta3; minus strand). Cytogenetic location: 15q12.
Variant type: single nucleotide variant.
Coding change: c.674T>C on transcript NM_000814.6 (MANE Select); coding-DNA position 674, T replaced by C.
Protein change: p.Phe225Ser; replaces phenylalanine 225 with serine.
Molecular consequence: missense variant.
Genome position (GRCh38, 1-based): chr15:26,580,327, A>G on the plus strand (T>C on the coding strand, the complement: GABRB3 is on the minus strand). VCF-style: chr15-26580327-A-G. GRCh37 (hg19) VCF-style: chr15-26825474-A-G.
Other names: c.419T>C, p.Phe140Ser (NM_001191320.2, NM_001278631.2); c.461T>C, p.Phe154Ser (NM_001191321.3); c.674T>C, p.Phe225Ser (NM_021912.5); short protein forms F140S, F154S, F225S.
Identifiers: ClinVar variation 4871623 (VCV004871623.1).

ClinVar aggregate classification (germline): Pathogenic (1 of 4 stars; one submission).

Conditions:
Inborn genetic diseases. Identifiers: MedGen C0950123, MeSH D030342.

Submission:

Ambry Genetics
Classification: Pathogenic for Inborn genetic diseases. Last evaluated: 2026-06-04. Review status: criteria provided, single submitter. Criteria: Ambry Variant Classification Scheme 2023. Collection method: clinical testing. Allele origin: germline.
Comment: The c.674T>C (p.F225S) alteration is located in exon 6 (coding exon 6) of the GABRB3 gene. This alteration results from a T to C substitution at nucleotide position 674, causing the phenylalanine (F) at amino acid position 225 to be replaced by a serine (S). This variant was not reported in population-based cohorts in the Genome Aggregation Database (gnomAD). This variant was determined to be de novo in at least one individual with features consistent with GABRB3-related seizure disorder (Maillard, 2022). This amino acid position is highly conserved in available vertebrate species. This missense variant is located in a region that has a low rate of benign missense variation (Lek, 2016; Firth, 2009). This alteration is predicted to be deleterious by in silico analysis. Based on the available evidence, this alteration is classified as pathogenic.

Literature cited by the submitters: PubMed 35718920.